The following is an entry in ClinVar:

ClinVar aggregate classification (germline): Uncertain significance. Review status: criteria provided, multiple submitters, no conflicts (2 of 4 stars). 2 submissions from 2 submitters: Uncertain significance (2). Last evaluated 2024-05-15.

Conditions:
Inborn genetic diseases. Identifiers: MedGen C0950123, MeSH D030342.

Allele frequency attached by ClinVar (database versions not stated): gnomAD 0.00005; TOPMed 0.00006; gnomAD exomes 0.00011; ExAC 0.00015.
gnomAD v4.1: 174 of 1,613,688 alleles (0.011%); highest among the groups gnomAD compares: South Asian, 0.047%; no homozygotes.

Submissions (2):

GeneDx
Classification: Uncertain significance. Last evaluated: 2024-05-15. Review status: criteria provided, single submitter. Criteria: GeneDx Variant Classification Process June 2021. Collection method: clinical testing. Allele origin: germline. Affected: yes.
Comment: In silico analysis indicates that this missense variant does not alter protein structure/function; Has not been previously published as pathogenic or benign to our knowledge

Ambry Genetics
Classification: Uncertain significance for Inborn genetic diseases. Last evaluated: 2024-01-22. Review status: criteria provided, single submitter. Criteria: Ambry Variant Classification Scheme 2023. Collection method: clinical testing. Allele origin: germline.

NM_004667.6(HERC2):c.1109A>G (p.Asn370Ser)

Gene: HERC2 (HECT and RLD domain containing E3 ubiquitin protein ligase 2; minus strand). Cytogenetic location: 15q13.1.
Variant type: single nucleotide variant.
Coding change: c.1109A>G on transcript NM_004667.6 (MANE Select); coding-DNA position 1109, A replaced by G.
Protein change: p.Asn370Ser; replaces asparagine 370 with serine.
Molecular consequence: missense variant.
Genome position (GRCh38, 1-based): chr15:28,270,843, T>C on the plus strand (A>G on the coding strand, the complement: HERC2 is on the minus strand). VCF-style: chr15-28270843-T-C. GRCh37 (hg19) VCF-style: chr15-28515989-T-C.
Other names: c.1109A>G (NM_004667.5); short protein forms N370S.
Identifiers: ClinVar variation 3105359 (VCV003105359.2), dbSNP rs201724547, ClinGen allele CA7443561.